The following is an entry in ClinVar:

ClinVar aggregate classification (germline): Conflicting classifications of pathogenicity. Review status: criteria provided, conflicting classifications (1 of 4 stars). 19 submissions from 19 submitters: Uncertain significance (16); Likely benign (1). 2 of the submissions do not count toward it. Last evaluated 2025-11-19.

Conditions:
ATM-related disorder. Also called: ATM-related disorders; ATM-related condition.
Breast and/or ovarian cancer. Identifiers: MedGen CN221562.
Familial cancer of breast. Also called: Hereditary breast cancer; hereditary breast carcinoma; BREAST CANCER, FAMILIAL. Identifiers: Orphanet 227535, MedGen C0346153, MONDO:0016419, OMIM 114480. Disease mechanism: loss of function.
Ataxia-telangiectasia syndrome (AT). Also called: LOUIS-BAR SYNDROME; Ataxia-telangiectasia; Ataxia telangiectasia (A-T); Cerebello-oculocutaneous telangiectasia; Immunodeficiency with ataxia telangiectasia; Ataxia-telangiectasia, complementation group D. Identifiers: Orphanet 100, MedGen C0004135, MONDO:0008840, OMIM 208900.
Hereditary cancer-predisposing syndrome. Also called: Tumor predisposition; Hereditary neoplastic syndrome; Neoplastic Syndromes, Hereditary; Hereditary Cancer Syndrome. Identifiers: Orphanet 140162, MedGen C0027672, MeSH D009386, MONDO:0015356.

Allele frequency attached by ClinVar (database versions not stated): ExAC 0.00002; gnomAD exomes 0.00003 and 0.00006; TOPMed 0.00003; gnomAD 0.00006; ESP Exome Variant Server 0.00023.

Submissions 1 to 13 of 19:

Ambry Genetics
Classification: Uncertain significance for Hereditary cancer-predisposing syndrome. Last evaluated: 2025-11-19. Review status: criteria provided, single submitter. Criteria: Ambry Variant Classification Scheme 2023. Collection method: clinical testing. Allele origin: germline.
Comment: The p.S759G variant (also known as c.2275A>G), located in coding exon 14 of the ATM gene, results from an A to G substitution at nucleotide position 2275. The serine at codon 759 is replaced by glycine, an amino acid with similar properties. This amino acid position is well conserved in available vertebrate species. In addition, the in silico prediction for this alteration is inconclusive. Based on the available evidence, the clinical significance of this variant remains unclear.

Mayo Clinic Laboratories, Mayo Clinic
Classification: Uncertain significance. Last evaluated: 2025-10-15. Review status: criteria provided, single submitter. Criteria: ACMG Guidelines, 2015. Collection method: clinical testing. Allele origin: germline. Observed: 1 variant allele.
Comment: PM2_supporting

Quest Diagnostics Nichols Institute San Juan Capistrano
Classification: Uncertain significance. Last evaluated: 2025-07-12. Review status: criteria provided, single submitter. Criteria: Quest Diagnostics criteria. Collection method: clinical testing. Allele origin: unknown.

PreventionGenetics, part of Exact Sciences
Classification: Uncertain significance for ATM-related condition. Last evaluated: 2025-03-11. Review status: criteria provided, single submitter. Criteria: ACMG Guidelines, 2015. Collection method: clinical testing. Allele origin: germline.
Comment: The ATM c.2275A>G variant is predicted to result in the amino acid substitution p.Ser759Gly. This variant has been identified in individuals affected with breast and/or ovarian cancer (Table S1, Goldgar et al. 2011. PubMed ID: 21787400; Tables S14, Caminsky et al. 2016. PubMed ID: 26898890; Table A2, Tung et al. 2016. PubMed ID: 26976419) and pancreatic cancer (Table S2, Chaffee et al. 2018. PubMed ID: 28726808). It was also identified in an individual with low grade glioma (Table S12, Lu et al. 2015. PubMed ID: 26689913). This variant is reported in 0.0070% of alleles in individuals of European (Non-Finnish) descent in gnomAD and is interpreted as uncertain significance by the majority of submitters in ClinVar. At this time, the clinical significance of this variant is uncertain due to the absence of conclusive functional and genetic evidence.

Women's Health and Genetics/Laboratory Corporation of America, LabCorp
Classification: Uncertain significance. Last evaluated: 2025-02-13. Review status: criteria provided, single submitter. Criteria: LabCorp Variant Classification Summary - May 2015. Collection method: clinical testing. Allele origin: germline.
Comment: Variant summary: ATM c.2275A>G (p.Ser759Gly) results in a non-conservative amino acid change in the encoded protein sequence. Four of five in-silico tools predict a benign effect of the variant on protein function. The variant allele was found at a frequency of 3.2e-05 in 251174 control chromosomes. The available data on variant occurrences in the general population are insufficient to allow any conclusion about variant significance. c.2275A>G has been reported in the literature, often as a VUS in settings of multigene panel testing, in individuals affected with breast cancer, prostate cancer and other cancers, without strong evidence (i.e. segregation data) for causality (e.g. Caminsky_2016, Lu_2015, Tung_2016, Bhai_2021, Brady_2022, Lampson_2023, Rezoug_2024). These reports do not provide unequivocal conclusions about association of the variant with Breast Cancer or other ATM-related maligancies. To our knowledge, no experimental evidence demonstrating an impact on protein function has been reported. The following publications have been ascertained in the context of this evaluation (PMID: 26898890, 21787400, 31422574, 36315919, 26689913, 26976419, 25186627, 35467778, 39226054, 34326862). ClinVar contains an entry for this variant (Variation ID: 127346). Based on the evidence outlined above, the variant was classified as uncertain significance.

Labcorp Genetics (formerly Invitae), Labcorp
Classification: Uncertain significance for Ataxia-telangiectasia syndrome. Last evaluated: 2025-02-04. Review status: criteria provided, single submitter. Criteria: Invitae Variant Classification Sherloc (09022015). Collection method: clinical testing. Allele origin: germline.
Comment: This sequence change replaces serine, which is neutral and polar, with glycine, which is neutral and non-polar, at codon 759 of the ATM protein (p.Ser759Gly). This variant is present in population databases (rs148705269, gnomAD 0.006%). This missense change has been observed in individual(s) with breast cancer, chronic lymphocytic leukemia, low grade glioma, ovarian cancer, pancreatic cancer, and/or uterine cancer (PMID: 26689913, 26898890, 26976419, 28652578, 28726808, 34326862, 36315919). ClinVar contains an entry for this variant (Variation ID: 127346). Invitae Evidence Modeling of protein sequence and biophysical properties (such as structural, functional, and spatial information, amino acid conservation, physicochemical variation, residue mobility, and thermodynamic stability) indicates that this missense variant is not expected to disrupt ATM protein function with a negative predictive value of 95%. RNA analysis performed to evaluate the impact of this missense change on mRNA splicing indicates it does not significantly alter splicing (internal data). In summary, the available evidence is currently insufficient to determine the role of this variant in disease. Therefore, it has been classified as a Variant of Uncertain Significance.

GeneDx
Classification: Uncertain significance. Last evaluated: 2024-12-30. Review status: criteria provided, single submitter. Criteria: GeneDx Variant Classification Process June 2021. Collection method: clinical testing. Allele origin: germline. Affected: yes.
Comment: Not observed at significant frequency in large population cohorts (gnomAD); In silico analysis indicates that this missense variant does not alter protein structure/function; Observed in individuals with a personal or family history of breast, pancreatic, or other cancers (PMID: 21787400, 26689913, 26898890, 26976419, 28726808, 32885271, 34326862); This variant is associated with the following publications: (PMID: 21787400, 26976419, 26898890, 28726808, 31422574, 26689913, 32885271, 34994613, 25186627, 36315919, 34326862, 28652578)

Blueprint Genetics
Classification: Uncertain significance. Last evaluated: 2024-11-25. Review status: criteria provided, single submitter. Criteria: ACMG Guidelines, 2015. Collection method: clinical testing. Allele origin: germline.

Athena Diagnostics
Classification: Uncertain significance. Last evaluated: 2024-05-20. Review status: criteria provided, single submitter. Criteria: Athena Diagnostics Criteria. Collection method: clinical testing. Allele origin: unknown.
Comment: Available data are insufficient to determine the clinical significance of the variant at this time. The frequency of this variant in the general population is uninformative in assessment of its pathogenicity. Polyphen and MutationTaster predict this amino acid change may be benign.

Myriad Genetics, Inc.
Classification: Likely benign for Familial cancer of breast. Last evaluated: 2024-05-08. Review status: criteria provided, single submitter. Criteria: Myriad Autosomal Dominant, Autosomal Recessive and X-Linked Classification Criteria (2023). Collection method: clinical testing. Allele origin: unknown.
Comment: This variant is considered likely benign. This variant is strongly associated with less severe personal and family histories of cancer, typical for individuals without pathogenic variants in this gene [PMID: 25085752].

Baylor Genetics
Classification: Uncertain significance for Familial cancer of breast. Last evaluated: 2024-02-07. Review status: criteria provided, single submitter. Criteria: ACMG Guidelines, 2015. Collection method: clinical testing. Allele origin: unknown.

Color Diagnostics, LLC DBA Color Health
Classification: Uncertain significance for Hereditary cancer-predisposing syndrome. Last evaluated: 2024-01-04. Review status: criteria provided, single submitter. Criteria: ACMG Guidelines, 2015. Collection method: clinical testing. Allele origin: germline.
Comment: This missense variant replaces serine with glycine at codon 759 of the ATM protein. Computational prediction suggests that this variant may not impact protein structure and function. To our knowledge, functional studies have not been reported for this variant. This variant has been reported in individuals affected with breast cancer (PMID: 25186627, 26689913, 26898890, 26976419), pancreatic cancer (PMID: 28726808), and chronic lymphocytic leukemia (PMID: 28652578). This variant has been identified in 9/282588 chromosomes in the general population by the Genome Aggregation Database (gnomAD). The available evidence is insufficient to determine the role of this variant in disease conclusively. Therefore, this variant is classified as a Variant of Uncertain Significance.

CHEO Genetics Diagnostic Laboratory, Children's Hospital of Eastern Ontario
Classification: Uncertain significance for Breast and/or ovarian cancer. Last evaluated: 2023-05-23. Review status: criteria provided, single submitter. Criteria: ACMG Guidelines, 2015. Collection method: clinical testing. Allele origin: germline.

NM_000051.4(ATM):c.2275A>G (p.Ser759Gly)

Gene: ATM (ATM serine/threonine kinase; plus strand). Cytogenetic location: 11q22.3.
Variant type: single nucleotide variant.
Coding change: c.2275A>G on transcript NM_000051.4 (MANE Select); coding-DNA position 2275, A replaced by G.
Protein change: p.Ser759Gly; replaces serine 759 with glycine.
Molecular consequence: missense variant.
Genome position (GRCh38, 1-based): chr11:108,257,505, A>G. VCF-style: chr11-108257505-A-G. GRCh37 (hg19) VCF-style: chr11-108128232-A-G.
Other names: p.S759G:AGT>GGT; c.2275A>G, p.Ser759Gly (NM_001351834.2); short protein forms S759G.
Identifiers: ClinVar variation 127346 (VCV000127346.70), dbSNP rs148705269, ClinGen allele CA286747.